The following is an entry in ClinVar:

NM_001447.3(FAT2):c.1630C>T (p.Arg544Trp)

Gene: FAT2 (FAT atypical cadherin 2; minus strand). Cytogenetic location: 5q33.1.
Variant type: single nucleotide variant.
Coding change: c.1630C>T on transcript NM_001447.3 (MANE Select); coding-DNA position 1630, C replaced by T.
Protein change: p.Arg544Trp; replaces arginine 544 with tryptophan.
Molecular consequence: missense variant.
Genome position (GRCh38, 1-based): chr5:151,567,302, G>A on the plus strand (C>T on the coding strand, the complement: FAT2 is on the minus strand). VCF-style: chr5-151567302-G-A. GRCh37 (hg19) VCF-style: chr5-150946863-G-A.
Other names: c.1630C>T (NM_001447.2); short protein forms R544W.
Identifiers: ClinVar variation 2712850 (VCV002712850.5), dbSNP rs371421129, ClinGen allele CA3522223.

ClinVar aggregate classification (germline): Uncertain significance. Review status: criteria provided, multiple submitters, no conflicts (2 of 4 stars). 2 submissions from 2 submitters: Uncertain significance (2). Last evaluated 2026-01-24.

Allele frequency attached by ClinVar (database versions not stated): ExAC 0.00005; gnomAD 0.00012; TOPMed 0.00014; ESP Exome Variant Server 0.00015.
gnomAD v4.1: 84 of 1,613,948 alleles (0.0052%); highest among the groups gnomAD compares: Admixed American, 0.02%; no homozygotes.

Submissions (2):

Labcorp Genetics (formerly Invitae), Labcorp
Classification: Uncertain significance. Last evaluated: 2026-01-24. Review status: criteria provided, single submitter. Criteria: Invitae Variant Classification Sherloc (09022015). Collection method: clinical testing. Allele origin: germline.
Comment: This sequence change replaces arginine, which is basic and polar, with tryptophan, which is neutral and slightly polar, at codon 544 of the FAT2 protein (p.Arg544Trp). This variant is present in population databases (rs371421129, gnomAD 0.02%). This variant has not been reported in the literature in individuals affected with FAT2-related conditions. ClinVar contains an entry for this variant (Variation ID: 2712850). Invitae Evidence Modeling of protein sequence and biophysical properties (such as structural, functional, and spatial information, amino acid conservation, physicochemical variation, residue mobility, and thermodynamic stability) indicates that this missense variant is not expected to disrupt FAT2 protein function with a negative predictive value of 80%. In summary, the available evidence is currently insufficient to determine the role of this variant in disease. Therefore, it has been classified as a Variant of Uncertain Significance.

Ambry Genetics
Classification: Uncertain significance. Last evaluated: 2025-10-07. Review status: criteria provided, single submitter. Criteria: Ambry Variant Classification Scheme 2023. Collection method: clinical testing. Allele origin: germline.